The following is an entry in ClinVar:

ClinVar aggregate classification (germline): Uncertain significance (1 of 4 stars; one submission).

Conditions:
Charcot-Marie-Tooth disease type 2. Also called: Charcot-Marie-Tooth type 2. Identifiers: Orphanet 64746, MedGen C0270914, MONDO:0018993.

gnomAD v4.1: 1 of 1,614,130 alleles (0.000062%); highest among the groups gnomAD compares: Non-Finnish European, 0.000085%; no homozygotes.

Submission:

Labcorp Genetics (formerly Invitae), Labcorp
Classification: Uncertain significance for Charcot-Marie-Tooth disease type 2. Last evaluated: 2024-02-01. Review status: criteria provided, single submitter. Criteria: Invitae Variant Classification Sherloc (09022015). Collection method: clinical testing. Allele origin: germline.
Comment: This sequence change replaces glutamine, which is neutral and polar, with glutamic acid, which is acidic and polar, at codon 811 of the AARS protein (p.Gln811Glu). This variant is not present in population databases (gnomAD no frequency). This variant has not been reported in the literature in individuals affected with AARS-related conditions. An algorithm developed to predict the effect of missense changes on protein structure and function (PolyPhen-2) suggests that this variant is likely to be tolerated. In summary, the available evidence is currently insufficient to determine the role of this variant in disease. Therefore, it has been classified as a Variant of Uncertain Significance.

NM_001605.3(AARS1):c.2431C>G (p.Gln811Glu)

Gene: AARS1 (alanyl-tRNA synthetase 1; minus strand). Cytogenetic location: 16q22.1.
Variant type: single nucleotide variant.
Coding change: c.2431C>G on transcript NM_001605.3 (MANE Select); coding-DNA position 2431, C replaced by G.
Protein change: p.Gln811Glu; replaces glutamine 811 with glutamic acid.
Molecular consequence: missense variant.
Genome position (GRCh38, 1-based): chr16:70,254,008, G>C on the plus strand (C>G on the coding strand, the complement: AARS1 is on the minus strand). VCF-style: chr16-70254008-G-C. GRCh37 (hg19) VCF-style: chr16-70287911-G-C.
Other names: short protein forms Q811E.
Identifiers: ClinVar variation 3637959 (VCV003637959.2).